The following is an entry in ClinVar:

ClinVar aggregate classification (germline): Pathogenic (1 of 4 stars; one submission).

Allele frequency attached by ClinVar (database versions not stated): gnomAD exomes below 0.00001.

Submission:

Labcorp Genetics (formerly Invitae), Labcorp
Classification: Pathogenic. Last evaluated: 2023-11-05. Review status: criteria provided, single submitter. Criteria: Invitae Variant Classification Sherloc (09022015). Collection method: clinical testing. Allele origin: germline.
Comment: This sequence change creates a premature translational stop signal (p.Pro961Glnfs*9) in the ABCA12 gene. It is expected to result in an absent or disrupted protein product. Loss-of-function variants in ABCA12 are known to be pathogenic (PMID: 20672373). This variant is present in population databases (no rsID available, gnomAD 0.006%). This variant has not been reported in the literature in individuals affected with ABCA12-related conditions. For these reasons, this variant has been classified as Pathogenic.

Literature cited by the submitters: PubMed 20672373.

NM_173076.3(ABCA12):c.2882_2886del (p.Pro961fs)

Gene: ABCA12 (ATP binding cassette subfamily A member 12; minus strand). Cytogenetic location: 2q35.
Variant type: Deletion.
Coding change: c.2882_2886del on transcript NM_173076.3 (MANE Select); coding-DNA positions 2882 to 2886, 5 bases deleted (CTTCT; older notation c.2882_2886delCTTCT).
Protein change: p.Pro961fs; shifts the reading frame from proline 961.
Molecular consequence: frameshift variant. On other transcripts: non-coding transcript variant (1).
Genome position (GRCh38, 1-based): chr2:215,000,998-215,001,002, AGAAG deleted on the plus strand (CTTCT on the coding strand, the reverse complement: ABCA12 is on the minus strand). VCF-style (leftmost placement, unchanged base first): chr2-215000997-TAGAAG-T. GRCh37 (hg19) VCF-style: chr2-215865721-TAGAAG-T.
Other names: c.1928_1932del, p.Pro643fs (NM_015657.4); short protein forms P643fs, P961fs.
Identifiers: ClinVar variation 2783503 (VCV002783503.3), dbSNP rs1430537083, ClinGen allele CA539539977.